The following is an entry in ClinVar:

NM_000268.4(NF2):c.1146C>A (p.Asp382Glu)

Gene: NF2 (NF2, moesin-ezrin-radixin like (MERLIN) tumor suppressor; plus strand). Cytogenetic location: 22q12.2.
Variant type: single nucleotide variant.
Coding change: c.1146C>A on transcript NM_000268.4 (MANE Select); coding-DNA position 1146, C replaced by A.
Protein change: p.Asp382Glu; replaces aspartic acid 382 with glutamic acid.
Molecular consequence: missense variant. On other transcripts: non-coding transcript variant (1), intron variant (1).
Genome position (GRCh38, 1-based): chr22:29,673,292, C>A. VCF-style: chr22-29673292-C-A. GRCh37 (hg19) VCF-style: chr22-30069281-C-A.
Other names: c.1032C>A, p.Asp344Glu (NM_001407053.1, NM_001407056.1); c.1023C>A, p.Asp341Glu (NM_001407054.1, NM_001407058.1, NM_181829.3); c.1020C>A, p.Asp340Glu (NM_001407055.1, NM_181828.3); c.1011C>A, p.Asp337Glu (NM_001407057.1, NM_001407059.1); c.1146C>A, p.Asp382Glu (NM_001407060.1, NM_001407066.1, NM_016418.5 and 2 more transcripts); c.888C>A, p.Asp296Glu (NM_001407062.1); c.897C>A, p.Asp299Glu (NM_001407063.1, NM_001407064.1, NM_181830.3 and 1 more transcripts); c.612C>A, p.Asp204Glu (NM_001407065.1); and 2 more; short protein forms D204E, D340E, D344E, D299E, D305E, D296E, D337E, D341E.
Identifiers: ClinVar variation 1732537 (VCV001732537.2), dbSNP rs1244979580, ClinGen allele CA411148007.

ClinVar aggregate classification (germline): Uncertain significance (1 of 4 stars; one submission).

Conditions:
Hereditary cancer-predisposing syndrome. Also called: Neoplastic Syndromes, Hereditary; Tumor predisposition; Hereditary Cancer Syndrome; Hereditary neoplastic syndrome. Identifiers: Orphanet 140162, MedGen C0027672, MeSH D009386, MONDO:0015356.

Submission:

Ambry Genetics
Classification: Uncertain significance for Hereditary cancer-predisposing syndrome. Last evaluated: 2022-08-30. Review status: criteria provided, single submitter. Criteria: Ambry Variant Classification Scheme 2023. Collection method: clinical testing. Allele origin: germline.
Comment: The p.D382E variant (also known as c.1146C>A), located in coding exon 12 of the NF2 gene, results from a C to A substitution at nucleotide position 1146. The aspartic acid at codon 382 is replaced by glutamic acid, an amino acid with highly similar properties. This amino acid position is conserved. In addition, this alteration is predicted to be tolerated by in silico analysis. Since supporting evidence is limited at this time, the clinical significance of this alteration remains unclear.